The following is an entry in ClinVar:

NM_032242.4(PLXNA1):c.2702G>A (p.Arg901His)

Gene: PLXNA1 (plexin A1; plus strand). Cytogenetic location: 3q21.3.
Variant type: single nucleotide variant.
Coding change: c.2702G>A on transcript NM_032242.4 (MANE Select); coding-DNA position 2702, G replaced by A.
Protein change: p.Arg901His; replaces arginine 901 with histidine.
Molecular consequence: missense variant.
Genome position (GRCh38, 1-based): chr3:127,014,575, G>A. VCF-style: chr3-127014575-G-A. GRCh37 (hg19) VCF-style: chr3-126733418-G-A.
Other names: short protein forms R901H.
Identifiers: ClinVar variation 867240 (VCV000867240.4), dbSNP rs774624923, ClinGen allele CA2593733.

ClinVar aggregate classification (germline): Uncertain significance. Review status: criteria provided, single submitter (1 of 4 stars). 2 submissions from 2 submitters: Uncertain significance (1). 1 of the submissions does not count toward it. Last evaluated 2025-12-01.

Conditions:
PLXNA1-related disorder. Also called: PLXNA1-related condition.
Neurodevelopmental disorder. Identifiers: MedGen C1535926, MeSH D065886, MONDO:0700092.

Allele frequency attached by ClinVar (database versions not stated): ExAC 0.00001; gnomAD exomes 0.00001; TOPMed 0.00002.
gnomAD v4.1: 12 of 1,613,048 alleles (0.00074%); highest among the groups gnomAD compares: African/African-American, 0.0027%; no homozygotes.

Submissions (2):

PreventionGenetics, part of Exact Sciences
Classification: Uncertain significance for PLXNA1-related condition. Last evaluated: 2025-12-01. Review status: criteria provided, single submitter. Criteria: ACMG Guidelines, 2015. Collection method: clinical testing. Allele origin: germline.
Comment: The PLXNA1 c.2702G>A variant is predicted to result in the amino acid substitution p.Arg901His. This variant has not been reported in association with obesity. This variant is reported in 0.0018% of alleles in individuals of European (Non-Finnish) descent in gnomAD. At this time, the clinical significance of this variant is uncertain due to the absence of conclusive functional and genetic evidence.

Lupski Lab, Baylor-Hopkins CMG, Baylor College of Medicine
Classification: Uncertain significance for Neurodevelopmental disorder. Last evaluated: 2019-11-30. Review status: no assertion criteria provided. Collection method: research. Allele origin: inherited. Inheritance: Autosomal recessive inheritance. Affected: yes. Observed: 1 homozygote. Segregation with disease observed. Not counted in ClinVar's aggregate classification.